The following is an entry in ClinVar:

ClinVar aggregate classification (germline): Uncertain significance (1 of 4 stars; one submission).

Conditions:
Torsion dystonia 6 (DYT6). Also called: DYT-THAP1. Identifiers: Orphanet 98806, MedGen C1414216, MONDO:0011264, OMIM 602629.

Allele frequency attached by ClinVar (database versions not stated): gnomAD exomes below 0.00001.

Submission:

Labcorp Genetics (formerly Invitae), Labcorp
Classification: Uncertain significance for Torsion dystonia 6. Last evaluated: 2022-10-19. Review status: criteria provided, single submitter. Criteria: Invitae Variant Classification Sherloc (09022015). Collection method: clinical testing. Allele origin: germline.
Comment: In summary, the available evidence is currently insufficient to determine the role of this variant in disease. Therefore, it has been classified as a Variant of Uncertain Significance. Algorithms developed to predict the effect of missense changes on protein structure and function (SIFT, PolyPhen-2, Align-GVGD) all suggest that this variant is likely to be tolerated. This variant has not been reported in the literature in individuals affected with THAP1-related conditions. This variant is not present in population databases (gnomAD no frequency). This sequence change replaces proline, which is neutral and non-polar, with serine, which is neutral and polar, at codon 106 of the THAP1 protein (p.Pro106Ser).

NM_018105.3(THAP1):c.316C>T (p.Pro106Ser)

Gene: THAP1 (THAP domain containing 1; minus strand). Cytogenetic location: 8p11.21.
Variant type: single nucleotide variant.
Coding change: c.316C>T on transcript NM_018105.3 (MANE Select); coding-DNA position 316, C replaced by T.
Protein change: p.Pro106Ser; replaces proline 106 with serine.
Molecular consequence: missense variant. On other transcripts: synonymous variant (1).
Genome position (GRCh38, 1-based): chr8:42,838,288, G>A on the plus strand (C>T on the coding strand, the complement: THAP1 is on the minus strand). VCF-style: chr8-42838288-G-A. GRCh37 (hg19) VCF-style: chr8-42693431-G-A.
Other names: c.120C>T, p.Tyr40= (NM_199003.2); short protein forms P106S.
Identifiers: ClinVar variation 2881162 (VCV002881162.3), dbSNP rs2487027505, ClinGen allele CA371107420.